The following is an entry in ClinVar:

NM_000891.3(KCNJ2):c.203A>G (p.Tyr68Cys)

Gene: KCNJ2 (potassium inwardly rectifying channel subfamily J member 2; plus strand). Cytogenetic location: 17q24.3.
Variant type: single nucleotide variant.
Coding change: c.203A>G on transcript NM_000891.3 (MANE Select); coding-DNA position 203, A replaced by G.
Protein change: p.Tyr68Cys; replaces tyrosine 68 with cysteine.
Molecular consequence: missense variant.
Genome position (GRCh38, 1-based): chr17:70,175,242, A>G. VCF-style: chr17-70175242-A-G. GRCh37 (hg19) VCF-style: chr17-68171383-A-G.
Other names: short protein forms Y68C.
Identifiers: ClinVar variation 1687420 (VCV001687420.1), dbSNP rs2144376588, ClinGen allele CA400860098.

ClinVar aggregate classification (germline): Uncertain significance (1 of 4 stars; one submission).

Conditions:
Andersen Tawil syndrome (LQT7). Also called: LONG QT SYNDROME 7; Potassium-sensitive periodic paralysis, ventricular ectopy, and dysmorphic features; PERIODIC PARALYSIS, POTASSIUM-SENSITIVE CARDIODYSRHYTHMIC TYPE; ANDERSEN CARDIODYSRHYTHMIC PERIODIC PARALYSIS; Andersen Syndrome. Identifiers: Orphanet 37553, MedGen C1563715, MONDO:0008222, OMIM 170390.

Submission:

3billion
Classification: Uncertain significance for Andersen Tawil syndrome. Last evaluated: 2022-05-22. Review status: criteria provided, single submitter. Criteria: ACMG Guidelines, 2015. Collection method: clinical testing. Allele origin: germline. Affected: yes. Observed: 1 heterozygote.
Comment: The variant is not observed in the gnomAD v2.1.1 dataset. Missense changes are a common disease-causing mechanism. In silico tool predictions suggest damaging effect of the variant on gene or gene product (REVEL: 0.97; 3Cnet: 0.97). A different missense change at the same codon (p.Tyr68Asp) has been reported to be associated with KCNJ2 related disorder (PMID: 16217063). However the evidence of pathogenicity is insufficient at this time. Therefore, this variant is classified as uncertain significanceaccording to the recommendation of ACMG/AMP guideline.

Literature cited by the submitters: PubMed 16217063.